The following is an entry in ClinVar:

NM_024675.4(PALB2):c.3508C>G (p.His1170Asp)

Gene: PALB2 (partner and localizer of BRCA2; minus strand). Cytogenetic location: 16p12.2.
Variant type: single nucleotide variant.
Coding change: c.3508C>G on transcript NM_024675.4 (MANE Select); coding-DNA position 3508, C replaced by G.
Protein change: p.His1170Asp; replaces histidine 1170 with aspartic acid.
Molecular consequence: missense variant. On other transcripts: 3 prime UTR variant (5).
Genome position (GRCh38, 1-based): chr16:23,603,512, G>C on the plus strand (C>G on the coding strand, the complement: PALB2 is on the minus strand). VCF-style: chr16-23603512-G-C. GRCh37 (hg19) VCF-style: chr16-23614833-G-C.
Other names: c.3448C>G, p.His1150Asp (NM_001407296.1); c.3436C>G, p.His1146Asp (NM_001407297.1); c.3346C>G, p.His1116Asp (NM_001407298.1); c.3271C>G, p.His1091Asp (NM_001407299.1); c.3229C>G, p.His1077Asp (NM_001407300.1); c.*143C>G (NM_001407301.1, NM_001407302.1, NM_001407310.1 and 2 more transcripts); c.2623C>G, p.His875Asp (NM_001407304.1, NM_001407305.1, NM_001407306.1); c.2461C>G, p.His821Asp (NM_001407307.1); and 3 more; short protein forms H1091D, H348D, H875D, H1077D, H1170D, H574D, H1116D, H1146D.
Identifiers: ClinVar variation 4663559 (VCV004663559.1).

ClinVar aggregate classification (germline): Uncertain significance (1 of 4 stars; one submission).

Conditions:
Hereditary cancer-predisposing syndrome. Also called: Neoplastic Syndromes, Hereditary; Tumor predisposition; Hereditary Cancer Syndrome; Hereditary neoplastic syndrome. Identifiers: Orphanet 140162, MedGen C0027672, MeSH D009386, MONDO:0015356.

Submission:

Ambry Genetics
Classification: Uncertain significance for Hereditary cancer-predisposing syndrome. Last evaluated: 2025-09-17. Review status: criteria provided, single submitter. Criteria: Ambry Variant Classification Scheme 2023. Collection method: clinical testing. Allele origin: germline.
Comment: The p.H1170D variant (also known as c.3508C>G), located in coding exon 13 of the PALB2 gene, results from a C to G substitution at nucleotide position 3508. The histidine at codon 1170 is replaced by aspartic acid, an amino acid with similar properties. This amino acid position is well conserved in available vertebrate species. In addition, this alteration is predicted to be tolerated by in silico analysis. Based on the available evidence, the clinical significance of this variant remains unclear.